The following is an entry in ClinVar:

ClinVar aggregate classification (germline): Uncertain significance. Review status: criteria provided, multiple submitters, no conflicts (2 of 4 stars). 2 submissions from 2 submitters: Uncertain significance (2). Last evaluated 2023-07-21.

Conditions:
Charcot-Marie-Tooth disease type 2. Also called: Charcot-Marie-Tooth type 2. Identifiers: Orphanet 64746, MedGen C0270914, MONDO:0018993.
Cardiovascular phenotype. Identifiers: MedGen CN230736.

Submissions (2):

Ambry Genetics
Classification: Uncertain significance for Cardiovascular phenotype. Last evaluated: 2023-07-21. Review status: criteria provided, single submitter. Criteria: Ambry Variant Classification Scheme 2023. Collection method: clinical testing. Allele origin: germline.
Comment: The p.E84G variant (also known as c.251A>G), located in coding exon 1 of the LMNA gene, results from an A to G substitution at nucleotide position 251. The glutamic acid at codon 84 is replaced by glycine, an amino acid with similar properties. This amino acid position is highly conserved in available vertebrate species. In addition, this alteration is predicted to be deleterious by in silico analysis. Since supporting evidence is limited at this time, the clinical significance of this alteration remains unclear.

Labcorp Genetics (formerly Invitae), Labcorp
Classification: Uncertain significance for Charcot-Marie-Tooth disease type 2. Last evaluated: 2023-04-16. Review status: criteria provided, single submitter. Criteria: Invitae Variant Classification Sherloc (09022015). Collection method: clinical testing. Allele origin: germline.
Comment: This sequence change replaces glutamic acid, which is acidic and polar, with glycine, which is neutral and non-polar, at codon 84 of the LMNA protein (p.Glu84Gly). This variant is not present in population databases (gnomAD no frequency). This variant has not been reported in the literature in individuals affected with LMNA-related conditions. Advanced modeling of protein sequence and biophysical properties (such as structural, functional, and spatial information, amino acid conservation, physicochemical variation, residue mobility, and thermodynamic stability) performed at Invitae indicates that this missense variant is expected to disrupt LMNA protein function. In summary, the available evidence is currently insufficient to determine the role of this variant in disease. Therefore, it has been classified as a Variant of Uncertain Significance.

NM_170707.4(LMNA):c.251A>G (p.Glu84Gly)

Gene: LMNA (lamin A/C; plus strand). Cytogenetic location: 1q22.
Variant type: single nucleotide variant.
Coding change: c.251A>G on transcript NM_170707.4 (MANE Select); coding-DNA position 251, A replaced by G.
Protein change: p.Glu84Gly; replaces glutamic acid 84 with glycine.
Molecular consequence: missense variant. On other transcripts: 5 prime UTR variant (8), intron variant (2).
Genome position (GRCh38, 1-based): chr1:156,115,169, A>G. VCF-style: chr1-156115169-A-G. GRCh37 (hg19) VCF-style: chr1-156084960-A-G.
Other names: c.251A>G, p.Glu84Gly (NM_001282625.2, NM_001282626.2, NM_001406983.1 and 6 more transcripts); c.-173A>G (NM_001406986.1); c.-151A>G (NM_001406990.1, NM_001406995.1, NM_001407002.1); c.-414A>G (NM_001406994.1, NM_001407000.1); c.-594A>G (NM_001406999.1); c.-257A>G (NM_001407001.1); c.-203+8346A>G (NM_001406993.1, NM_001407003.1); short protein forms E84G.
Identifiers: ClinVar variation 2587214 (VCV002587214.5), dbSNP rs2527833357, ClinGen allele CA342808456.